The following is an entry in ClinVar:

NM_002246.3(KCNK3):c.108C>G (p.Ile36Met)

Gene: KCNK3 (potassium two pore domain channel subfamily K member 3; plus strand). Cytogenetic location: 2p23.3.
Variant type: single nucleotide variant.
Coding change: c.108C>G on transcript NM_002246.3 (MANE Select); coding-DNA position 108, C replaced by G.
Protein change: p.Ile36Met; replaces isoleucine 36 with methionine.
Molecular consequence: missense variant.
Genome position (GRCh38, 1-based): chr2:26,692,983, C>G. VCF-style: chr2-26692983-C-G. GRCh37 (hg19) VCF-style: chr2-26915851-C-G.
Other names: short protein forms I36M.
Identifiers: ClinVar variation 4799850 (VCV004799850.1).

ClinVar aggregate classification (germline): Uncertain significance (1 of 4 stars; one submission).

Conditions:
Pulmonary hypertension, primary, 4. Identifiers: Orphanet 422, MedGen C3809198, MONDO:0014136, OMIM 615344.

gnomAD v4.1: 6 of 1,573,972 alleles (0.00038%); highest among the groups gnomAD compares: East Asian, 0.0024%; no homozygotes.

Submission:

Labcorp Genetics (formerly Invitae), Labcorp
Classification: Uncertain significance for Pulmonary hypertension, primary, 4. Last evaluated: 2026-01-14. Review status: criteria provided, single submitter. Criteria: Invitae Variant Classification Sherloc (09022015). Collection method: clinical testing. Allele origin: germline.
Comment: This sequence change replaces isoleucine, which is neutral and non-polar, with methionine, which is neutral and non-polar, at codon 36 of the KCNK3 protein (p.Ile36Met). This variant is not present in population databases (gnomAD no frequency). This variant has not been reported in the literature in individuals affected with KCNK3-related conditions. Invitae Evidence Modeling of protein sequence and biophysical properties (such as structural, functional, and spatial information, amino acid conservation, physicochemical variation, residue mobility, and thermodynamic stability) indicates that this missense variant is not expected to disrupt KCNK3 protein function with a negative predictive value of 80%. In summary, the available evidence is currently insufficient to determine the role of this variant in disease. Therefore, it has been classified as a Variant of Uncertain Significance.